The following is an entry in ClinVar:

ClinVar aggregate classification (germline): Likely benign. Review status: criteria provided, multiple submitters, no conflicts (2 of 4 stars). 5 submissions from 5 submitters: Likely benign (4). 1 of the submissions does not count toward it. Last evaluated 2025-12-14.

Conditions:
DNMT1-related disorder. Also called: DNMT1-related condition. Identifiers: MedGen CN381527.
Autosomal dominant cerebellar ataxia, deafness and narcolepsy. Also called: Autosomal Dominant Cerebellar Ataxia, Deafness, and Narcolepsy (ADCA-DN). Identifiers: Orphanet 314404, MedGen C4302668, MONDO:0011397, OMIM 604121.
Hereditary sensory neuropathy-deafness-dementia syndrome. Also called: HSN IE; NEUROPATHY, HEREDITARY SENSORY, WITH HEARING LOSS AND DEMENTIA; Hereditary sensory neuropathy type IE; Hereditary Sensory and Autonomic Neuropathy Type 1E (HSAN1E). Identifiers: Orphanet 456318, MedGen C3279885, MONDO:0013584, OMIM 614116.

Allele frequency attached by ClinVar (database versions not stated): ESP Exome Variant Server 0.00008; gnomAD 0.00010 and 0.00011; gnomAD exomes 0.00011 and 0.00022; TOPMed 0.00020; ExAC 0.00031.
gnomAD v4.1: 177 of 1,613,804 alleles (0.011%); highest among the groups gnomAD compares: East Asian, 0.06%; no homozygotes.

Submissions (5):

Labcorp Genetics (formerly Invitae), Labcorp
Classification: Likely benign for Hereditary sensory neuropathy-deafness-dementia syndrome. Last evaluated: 2025-12-14. Review status: criteria provided, single submitter. Criteria: Invitae Variant Classification Sherloc (09022015). Collection method: clinical testing. Allele origin: germline.

Blueprint Genetics
Classification: Likely benign. Last evaluated: 2024-09-12. Review status: criteria provided, single submitter. Criteria: ACMG Guidelines, 2015. Collection method: clinical testing. Allele origin: germline.

CeGaT Center for Human Genetics Tuebingen
Classification: Likely benign. Last evaluated: 2022-06-01. Review status: criteria provided, single submitter. Criteria: CeGaT Center For Human Genetics Tuebingen Variant Classification Criteria Version 2. Collection method: clinical testing. Allele origin: germline. Affected: yes. Observed: 1 variant allele.
Comment: DNMT1: BP4, BP7

Fulgent Genetics
Classification: Likely benign for Autosomal dominant cerebellar ataxia, deafness and narcolepsy; Hereditary sensory neuropathy-deafness-dementia syndrome. Last evaluated: 2021-09-09. Review status: criteria provided, single submitter. Criteria: ACMG Guidelines, 2015. Collection method: clinical testing. Allele origin: unknown.

PreventionGenetics, part of Exact Sciences
Classification: Likely benign for DNMT1-related condition. Last evaluated: 2019-06-24. Review status: no assertion criteria provided. Collection method: clinical testing. Allele origin: germline. Not counted in ClinVar's aggregate classification.
Comment: This variant is classified as likely benign based on ACMG/AMP sequence variant interpretation guidelines (Richards et al. 2015 PMID: 25741868, with internal and published modifications).

NM_001130823.3(DNMT1):c.3711C>T (p.Cys1237=)

Gene: DNMT1 (DNA methyltransferase 1; minus strand). Cytogenetic location: 19p13.2.
Variant type: single nucleotide variant.
Coding change: c.3711C>T on transcript NM_001130823.3 (MANE Select); coding-DNA position 3711, C replaced by T.
Protein change: p.Cys1237=; no amino-acid change (cysteine 1237 retained).
Molecular consequence: synonymous variant.
Genome position (GRCh38, 1-based): chr19:10,140,141, G>A on the plus strand (C>T on the coding strand, the complement: DNMT1 is on the minus strand). VCF-style: chr19-10140141-G-A. GRCh37 (hg19) VCF-style: chr19-10250817-G-A.
Other names: c.3711C>T (NM_001130823.2); c.3663C>T, p.Cys1221= (NM_001318730.2, NM_001379.4); c.3348C>T, p.Cys1116= (NM_001318731.2).
Identifiers: ClinVar variation 1102656 (VCV001102656.42), dbSNP rs139909192, ClinGen allele CA9187687.